The following is an entry in ClinVar:

ClinVar aggregate classification (germline): Uncertain significance. Review status: criteria provided, multiple submitters, no conflicts (2 of 4 stars). 2 submissions from 2 submitters: Uncertain significance (2). Last evaluated 2024-10-28.

Conditions:
Hereditary cancer-predisposing syndrome. Also called: Neoplastic Syndromes, Hereditary; Tumor predisposition; Hereditary neoplastic syndrome; Hereditary Cancer Syndrome. Identifiers: Orphanet 140162, MedGen C0027672, MeSH D009386, MONDO:0015356.

Allele frequency attached by ClinVar (database versions not stated): gnomAD exomes below 0.00001.
gnomAD v4.1: 1 of 1,613,990 alleles (0.000062%); highest among the groups gnomAD compares: South Asian, 0.0011%; no homozygotes.

Submissions (2):

Labcorp Genetics (formerly Invitae), Labcorp
Classification: Uncertain significance. Last evaluated: 2024-10-28. Review status: criteria provided, single submitter. Criteria: Invitae Variant Classification Sherloc (09022015). Collection method: clinical testing. Allele origin: germline.
Comment: This sequence change replaces alanine, which is neutral and non-polar, with aspartic acid, which is acidic and polar, at codon 1866 of the POLE protein (p.Ala1866Asp). This variant is present in population databases (no rsID available, gnomAD 0.003%). This variant has not been reported in the literature in individuals affected with POLE-related conditions. Invitae Evidence Modeling of protein sequence and biophysical properties (such as structural, functional, and spatial information, amino acid conservation, physicochemical variation, residue mobility, and thermodynamic stability) indicates that this missense variant is expected to disrupt POLE protein function with a positive predictive value of 80%. In summary, the available evidence is currently insufficient to determine the role of this variant in disease. Therefore, it has been classified as a Variant of Uncertain Significance.

Ambry Genetics
Classification: Uncertain significance for Hereditary cancer-predisposing syndrome. Last evaluated: 2024-02-02. Review status: criteria provided, single submitter. Criteria: Ambry Variant Classification Scheme 2023. Collection method: clinical testing. Allele origin: germline.
Comment: The p.A1866D variant (also known as c.5597C>A), located in coding exon 41 of the POLE gene, results from a C to A substitution at nucleotide position 5597. The alanine at codon 1866 is replaced by aspartic acid, an amino acid with dissimilar properties. This amino acid position is conserved. In addition, the in silico prediction for this alteration is inconclusive. Based on the available evidence, the clinical significance of this alteration remains unclear.

NM_006231.4(POLE):c.5597C>A (p.Ala1866Asp)

Gene: POLE (DNA polymerase epsilon, catalytic subunit; minus strand). Cytogenetic location: 12q24.33.
Variant type: single nucleotide variant.
Coding change: c.5597C>A on transcript NM_006231.4 (MANE Select); coding-DNA position 5597, C replaced by A.
Protein change: p.Ala1866Asp; replaces alanine 1866 with aspartic acid.
Molecular consequence: missense variant.
Genome position (GRCh38, 1-based): chr12:132,638,095, G>T on the plus strand (C>A on the coding strand, the complement: POLE is on the minus strand). VCF-style: chr12-132638095-G-T. GRCh37 (hg19) VCF-style: chr12-133214681-G-T.
Other names: short protein forms A1866D.
Identifiers: ClinVar variation 3225485 (VCV003225485.3), dbSNP rs1314230611, ClinGen allele CA387374134.